The following is an entry in ClinVar:

NM_003108.4(SOX11):c.401C>T (p.Ala134Val)

Gene: SOX11 (SRY-box transcription factor 11; plus strand). Cytogenetic location: 2p25.2.
Variant type: single nucleotide variant.
Coding change: c.401C>T on transcript NM_003108.4 (MANE Select); coding-DNA position 401, C replaced by T.
Protein change: p.Ala134Val; replaces alanine 134 with valine.
Molecular consequence: missense variant.
Genome position (GRCh38, 1-based): chr2:5,693,122, C>T. VCF-style: chr2-5693122-C-T. GRCh37 (hg19) VCF-style: chr2-5833254-C-T.
Other names: short protein forms A134V.
Identifiers: ClinVar variation 3447446 (VCV003447446.2).

ClinVar aggregate classification (germline): Likely benign. Review status: criteria provided, multiple submitters, no conflicts (2 of 4 stars). 2 submissions from 2 submitters: Likely benign (2). Last evaluated 2026-04-21.

Conditions:
Inborn genetic diseases. Identifiers: MedGen C0950123, MeSH D030342.

gnomAD v4.1: 12 of 1,611,766 alleles (0.00074%); highest among the groups gnomAD compares: African/African-American, 0.013%; no homozygotes.

Submissions (2):

Women's Health and Genetics/Laboratory Corporation of America, LabCorp
Classification: Likely benign. Last evaluated: 2026-04-21. Review status: criteria provided, single submitter. Criteria: LabCorp Variant Classification Summary - May 2015. Collection method: clinical testing. Allele origin: germline.
Comment: Variant summary: SOX11 c.401C>T (p.Ala134Val) results in a non-conservative amino acid change in the encoded protein sequence. Algorithms developed to predict the effect of missense changes on protein structure and function all suggest that this variant is likely to be disruptive. The variant allele was found at a frequency of 1.3e-05 in 236990 control chromosomes. The available data on variant occurrences in the general population are insufficient to allow any conclusion about variant significance in the gnomAD v2 database. However, a total of 12 heterozygotes of this variant were reported in the gnomAD v4 database. To our knowledge, no occurrence of c.401C>T in individuals affected with SOX11-related conditions and no experimental evidence demonstrating its impact on protein function have been reported. ClinVar contains an entry for this variant (Variation ID: 3447446). Based on the evidence outlined above, the variant was classified as likely benign.

Ambry Genetics
Classification: Likely benign for Inborn genetic diseases. Last evaluated: 2024-10-12. Review status: criteria provided, single submitter. Criteria: Ambry Variant Classification Scheme 2023. Collection method: clinical testing. Allele origin: germline.